The following is an entry in ClinVar:

ClinVar aggregate classification (germline): Likely pathogenic (1 of 4 stars; one submission).

Conditions:
Carnitine acylcarnitine translocase deficiency (CACTD). Identifiers: Orphanet 159, MedGen C0342791, MONDO:0008918, OMIM 212138.

Allele frequency attached by ClinVar (database versions not stated): gnomAD exomes below 0.00001; gnomAD 0.00001; ExAC 0.00002; TOPMed 0.00002.
gnomAD v4.1: 4 of 1,613,706 alleles (0.00025%); highest among the groups gnomAD compares: Non-Finnish European, 0.00034%; no homozygotes.

Submission:

Women's Health and Genetics/Laboratory Corporation of America, LabCorp
Classification: Likely pathogenic for Carnitine acylcarnitine translocase deficiency. Last evaluated: 2023-09-14. Review status: criteria provided, single submitter. Criteria: LabCorp Variant Classification Summary - May 2015. Collection method: clinical testing. Allele origin: germline.
Comment: Variant summary: SLC25A20 c.241G>A (p.Gly81Arg) results in a non-conservative amino acid change located in the Mitochondrial substrate/solute carrier repeat (IPR018108) of the encoded protein sequence. Five of five in-silico tools predict a damaging effect of the variant on protein function. The variant allele was found at a frequency of 8e-06 in 250142 control chromosomes (gnomAD). c.241G>A has been reported in the literature in at least one individual affected with Carnitine-Acylcarnitine Translocase Deficiency (IJlst_1999, IJlst_2001). These data do not allow any conclusion about variant significance. At least one publication reports experimental evidence evaluating an impact on protein function using a yeast complementation assay; while WT variant could rescue growth, the variant of interest could not, indicating loss of function (IJlst_2001). The following publications have been ascertained in the context of this evaluation (PMID: 10709662, 11162577). No submitters have cited clinical-significance assessments for this variant to ClinVar after 2014. Based on the evidence outlined above, the variant was classified as likely pathogenic.

Literature cited by the submitters: PubMed 11162577; PubMed 10709662.

NM_000387.6(SLC25A20):c.241G>A (p.Gly81Arg)

Gene: SLC25A20 (solute carrier family 25 member 20; minus strand). Cytogenetic location: 3p21.31.
Variant type: single nucleotide variant.
Coding change: c.241G>A on transcript NM_000387.6 (MANE Select); coding-DNA position 241, G replaced by A.
Protein change: p.Gly81Arg; replaces glycine 81 with arginine.
Molecular consequence: missense variant.
Genome position (GRCh38, 1-based): chr3:48,884,082, C>T on the plus strand (G>A on the coding strand, the complement: SLC25A20 is on the minus strand). VCF-style: chr3-48884082-C-T. GRCh37 (hg19) VCF-style: chr3-48921515-C-T.
Other names: short protein forms G81R.
Identifiers: ClinVar variation 2627227 (VCV002627227.1), dbSNP rs778739484, ClinGen allele CA2387450.